The following is an entry in ClinVar:

ClinVar aggregate classification (germline): Likely pathogenic (1 of 4 stars; one submission).

Conditions:
Neuromuscular disease caused by qualitative or quantitative defects of dysferlin. Also called: Dysferlinopathy; Qualitative or quantitative defects of dysferlin. Identifiers: Orphanet 207073, MedGen C2931687, MONDO:0016145.

Submission:

Labcorp Genetics (formerly Invitae), Labcorp
Classification: Likely pathogenic for Neuromuscular disease caused by qualitative or quantitative defects of dysferlin. Last evaluated: 2024-05-20. Review status: criteria provided, single submitter. Criteria: Invitae Variant Classification Sherloc (09022015). Collection method: clinical testing. Allele origin: germline.
Comment: This sequence change replaces glycine, which is neutral and non-polar, with aspartic acid, which is acidic and polar, at codon 2005 of the DYSF protein (p.Gly2005Asp). This variant is not present in population databases (gnomAD no frequency). This missense change has been observed in individual(s) with clinical features of autosomal recessive Miyoshi muscular dystrophy (Invitae). In at least one individual the data is consistent with being in trans (on the opposite chromosome) from a pathogenic variant. ClinVar contains an entry for this variant (Variation ID: 1479476). Advanced modeling of protein sequence and biophysical properties (such as structural, functional, and spatial information, amino acid conservation, physicochemical variation, residue mobility, and thermodynamic stability) performed at Invitae indicates that this missense variant is expected to disrupt DYSF protein function with a positive predictive value of 95%. In summary, the currently available evidence indicates that the variant is pathogenic, but additional data are needed to prove that conclusively. Therefore, this variant has been classified as Likely Pathogenic.

NM_001130987.2(DYSF):c.6131G>A (p.Gly2044Asp)

Gene: DYSF (dysferlin; plus strand). Cytogenetic location: 2p13.2.
Variant type: single nucleotide variant.
Coding change: c.6131G>A on transcript NM_001130987.2 (MANE Select); coding-DNA position 6131, G replaced by A.
Protein change: p.Gly2044Asp; replaces glycine 2044 with aspartic acid.
Molecular consequence: missense variant.
Genome position (GRCh38, 1-based): chr2:71,681,068, G>A. VCF-style: chr2-71681068-G-A. GRCh37 (hg19) VCF-style: chr2-71908198-G-A.
Other names: c.6017G>A, p.Gly2006Asp (NM_001130455.2); c.5972G>A, p.Gly1991Asp (NM_001130976.2); c.6035G>A, p.Gly2012Asp (NM_001130977.2); c.6077G>A, p.Gly2026Asp (NM_001130978.2); c.6107G>A, p.Gly2036Asp (NM_001130979.2); c.6065G>A, p.Gly2022Asp (NM_001130980.2); c.6128G>A, p.Gly2043Asp (NM_001130981.2); c.6110G>A, p.Gly2037Asp (NM_001130982.2); and 5 more; short protein forms G2005D, G2006D, G2022D, G1991D, G2026D, G2027D, G2037D, G2044D.
Identifiers: ClinVar variation 1479476 (VCV001479476.8), dbSNP rs2152970043, ClinGen allele CA347226835.
Genomic context (GRCh38, chr2:71,681,068, plus strand): 5'-TGGAAATGACCTTGGAGATTGTAGCAGAGAGTGAGCATGAGGAGCGGCCTGCTGGCCAGG[G>A]CCGGGATGAGCCCAACATGAACCCTAAGCTTGAGGACCCAAGGTCAGTGCCCAGCCCCTG-3'
Protein context (NP_001124459.1, residues 2034-2054): SEHEERPAGQ[Gly2044Asp]RDEPNMNPKL